The following is an entry in ClinVar:

NM_006514.4(SCN10A):c.4089+12A>T

Gene: SCN10A (sodium voltage-gated channel alpha subunit 10; minus strand). Cytogenetic location: 3p22.2.
Variant type: single nucleotide variant.
Coding change: c.4089+12A>T on transcript NM_006514.4 (MANE Select); 12 bases into the intron after coding-DNA position 4089, A replaced by T.
Molecular consequence: intron variant.
Genome position (GRCh38, 1-based): chr3:38,712,149, T>A on the plus strand (A>T on the coding strand, the complement: SCN10A is on the minus strand). VCF-style: chr3-38712149-T-A. GRCh37 (hg19) VCF-style: chr3-38753640-T-A.
Other names: c.3795+12A>T (NM_001293307.2); c.4086+12A>T (NM_001293306.2).
Identifiers: ClinVar variation 380953 (VCV000380953.10), dbSNP rs151164057, ClinGen allele CA2320036.

ClinVar aggregate classification (germline): Benign/Likely benign. Review status: criteria provided, multiple submitters, no conflicts (2 of 4 stars). 3 submissions from 3 submitters: Benign (1); Likely benign (2). Last evaluated 2025-10-17.

Conditions:
Brugada syndrome. Also called: Sudden unexpected nocturnal death syndrome; Sudden Unexplained Death Syndrome; Sudden Unexplained Nocturnal Death Syndrome (SUNDS); Sudden unexplained nocturnal death syndrome. Identifiers: Orphanet 130, MedGen C1142166, MONDO:0015263.
Episodic pain syndrome, familial, 2 (FEPS2). Identifiers: Orphanet 306577, MedGen C3809893, MONDO:0014246, OMIM 615551.

Allele frequency attached by ClinVar (database versions not stated): TOPMed 0.00012; gnomAD exomes 0.00018 and 0.00030; gnomAD 0.00019; ExAC 0.00032; 1000 Genomes Project 30x 0.00047; 1000 Genomes Project 0.00060.
gnomAD v4.1: 276 of 1,613,176 alleles (0.017%); highest among the groups gnomAD compares: East Asian, 0.59%; no homozygotes.

Submissions (3):

Labcorp Genetics (formerly Invitae), Labcorp
Classification: Benign for Brugada syndrome. Last evaluated: 2025-10-17. Review status: criteria provided, single submitter. Criteria: Invitae Variant Classification Sherloc (09022015). Collection method: clinical testing. Allele origin: germline.

Fulgent Genetics
Classification: Likely benign for Episodic pain syndrome, familial, 2. Last evaluated: 2021-09-29. Review status: criteria provided, single submitter. Criteria: ACMG Guidelines, 2015. Collection method: clinical testing. Allele origin: unknown.

GeneDx
Classification: Likely benign. Last evaluated: 2016-11-22. Review status: criteria provided, single submitter. Criteria: GeneDx Variant Classification (06012015). Collection method: clinical testing. Allele origin: germline. Affected: yes.
Comment: This variant is considered likely benign or benign based on one or more of the following criteria: it is a conservative change, it occurs at a poorly conserved position in the protein, it is predicted to be benign by multiple in silico algorithms, and/or has population frequency not consistent with disease.